The following is an entry in ClinVar:

ClinVar aggregate classification (germline): Uncertain significance. Review status: criteria provided, multiple submitters, no conflicts (2 of 4 stars). 3 submissions from 3 submitters: Uncertain significance (3). Last evaluated 2025-06-04.

Conditions:
Inborn genetic diseases. Identifiers: MedGen C0950123, MeSH D030342.

Allele frequency attached by ClinVar (database versions not stated): gnomAD exomes 0.00003 and 0.00010; ExAC 0.00007; gnomAD 0.00013 and 0.00014; TOPMed 0.00014; ESP Exome Variant Server 0.00015.
gnomAD v4.1: 68 of 1,613,742 alleles (0.0042%); highest among the groups gnomAD compares: Admixed American, 0.043%; no homozygotes.

Submissions (3):

Labcorp Genetics (formerly Invitae), Labcorp
Classification: Uncertain significance. Last evaluated: 2025-06-04. Review status: criteria provided, single submitter. Criteria: Invitae Variant Classification Sherloc (09022015). Collection method: clinical testing. Allele origin: germline.
Comment: This sequence change replaces aspartic acid, which is acidic and polar, with asparagine, which is neutral and polar, at codon 2033 of the DCHS1 protein (p.Asp2033Asn). This variant is present in population databases (rs145562528, gnomAD 0.05%). This variant has not been reported in the literature in individuals affected with DCHS1-related conditions. ClinVar contains an entry for this variant (Variation ID: 1013300). Invitae Evidence Modeling of protein sequence and biophysical properties (such as structural, functional, and spatial information, amino acid conservation, physicochemical variation, residue mobility, and thermodynamic stability) indicates that this missense variant is not expected to disrupt DCHS1 protein function with a negative predictive value of 80%. In summary, the available evidence is currently insufficient to determine the role of this variant in disease. Therefore, it has been classified as a Variant of Uncertain Significance.

Ambry Genetics
Classification: Uncertain significance for Inborn genetic diseases. Last evaluated: 2024-12-17. Review status: criteria provided, single submitter. Criteria: Ambry Variant Classification Scheme 2023. Collection method: clinical testing. Allele origin: germline.

CeGaT Center for Human Genetics Tuebingen
Classification: Uncertain significance. Last evaluated: 2020-11-01. Review status: criteria provided, single submitter. Criteria: CeGaT Center For Human Genetics Tuebingen Variant Classification Criteria Version 2. Collection method: clinical testing. Allele origin: germline. Affected: yes. Observed: 1 variant allele.

NM_003737.4(DCHS1):c.6097G>A (p.Asp2033Asn)

Gene: DCHS1 (dachsous cadherin-related 1; minus strand). Cytogenetic location: 11p15.4.
Variant type: single nucleotide variant.
Coding change: c.6097G>A on transcript NM_003737.4 (MANE Select); coding-DNA position 6097, G replaced by A.
Protein change: p.Asp2033Asn; replaces aspartic acid 2033 with asparagine.
Molecular consequence: missense variant.
Genome position (GRCh38, 1-based): chr11:6,626,942, C>T on the plus strand (G>A on the coding strand, the complement: DCHS1 is on the minus strand). VCF-style: chr11-6626942-C-T. GRCh37 (hg19) VCF-style: chr11-6648173-C-T.
Other names: c.6097G>A (NM_003737.2); short protein forms D2033N.
Identifiers: ClinVar variation 1013300 (VCV001013300.44), dbSNP rs145562528, ClinGen allele CA5859956.